The following is an entry in ClinVar:

ClinVar aggregate classification (germline): Uncertain significance (1 of 4 stars; one submission).

Conditions:
Autosomal dominant hypocalcemia 1 (HYPOC1). Also called: HYPOCALCEMIA, FAMILIAL. Identifiers: MedGen C3715128, MONDO:0011013, OMIM 601198.
Familial hypocalciuric hypercalcemia (FHH). Also called: Familial benign hypercalcemia. Identifiers: Orphanet 405, MedGen C1809471, MONDO:0018458.

Submission:

Labcorp Genetics (formerly Invitae), Labcorp
Classification: Uncertain significance for Familial hypocalciuric hypercalcemia; Autosomal dominant hypocalcemia 1. Last evaluated: 2023-06-27. Review status: criteria provided, single submitter. Criteria: Invitae Variant Classification Sherloc (09022015). Collection method: clinical testing. Allele origin: germline.
Comment: In summary, the available evidence is currently insufficient to determine the role of this variant in disease. Therefore, it has been classified as a Variant of Uncertain Significance. An algorithm developed to predict the effect of missense changes on protein structure and function (PolyPhen-2) suggests that this variant is likely to be disruptive. ClinVar contains an entry for this variant (Variation ID: 1984263). This variant has not been reported in the literature in individuals affected with CASR-related conditions. This variant is not present in population databases (gnomAD no frequency). This sequence change replaces serine, which is neutral and polar, with tyrosine, which is neutral and polar, at codon 497 of the CASR protein (p.Ser497Tyr).

NM_000388.4(CASR):c.1490C>A (p.Ser497Tyr)

Gene: CASR (calcium sensing receptor; plus strand). Cytogenetic location: 3q21.1.
Variant type: single nucleotide variant.
Coding change: c.1490C>A on transcript NM_000388.4 (MANE Select); coding-DNA position 1490, C replaced by A.
Protein change: p.Ser497Tyr; replaces serine 497 with tyrosine.
Molecular consequence: missense variant.
Genome position (GRCh38, 1-based): chr3:122,275,924, C>A. VCF-style: chr3-122275924-C-A. GRCh37 (hg19) VCF-style: chr3-121994771-C-A.
Other names: c.1490C>A, p.Ser497Tyr (NM_001178065.2); short protein forms S497Y.
Identifiers: ClinVar variation 1984263 (VCV001984263.4), dbSNP rs2473257938, ClinGen allele CA354155211.
Genomic context (GRCh38, chr3:122,275,924, plus strand): 5'-TGACCTTTGATGAGTGTGGTGACCTGGTGGGGAACTATTCCATCATCAACTGGCACCTCT[C>A]CCCAGAGGATGGCTCCATCGTGTTTAAGGAAGTCGGGTATTACAACGTCTATGCCAAGAA-3'
Protein context (NP_000379.3, residues 487-507): GNYSIINWHL[Ser497Tyr]PEDGSIVFKE